The following is an entry in ClinVar:

NM_024407.5(NDUFS7):c.52C>A (p.Arg18Ser)

Gene: NDUFS7 (NADH:ubiquinone oxidoreductase core subunit S7; plus strand). Cytogenetic location: 19p13.3.
Variant type: single nucleotide variant.
Coding change: c.52C>A on transcript NM_024407.5 (MANE Select); coding-DNA position 52, C replaced by A.
Protein change: p.Arg18Ser; replaces arginine 18 with serine.
Molecular consequence: missense variant.
Genome position (GRCh38, 1-based): chr19:1,387,846, C>A. VCF-style: chr19-1387846-C-A. GRCh37 (hg19) VCF-style: chr19-1387845-C-A.
Other names: c.52C>A, p.Arg18Ser (NM_001363602.2); short protein forms R18S.
Identifiers: ClinVar variation 1474505 (VCV001474505.8), dbSNP rs769894226, ClinGen allele CA402982402.

ClinVar aggregate classification (germline): Uncertain significance (1 of 4 stars; one submission).

gnomAD v4.1: 3 of 1,591,746 alleles (0.00019%); highest among the groups gnomAD compares: East Asian, 0.0023%; no homozygotes.

Submission:

Labcorp Genetics (formerly Invitae), Labcorp
Classification: Uncertain significance. Last evaluated: 2021-07-12. Review status: criteria provided, single submitter. Criteria: Invitae Variant Classification Sherloc (09022015). Collection method: clinical testing. Allele origin: germline.
Comment: This variant has not been reported in the literature in individuals affected with NDUFS7-related conditions. Algorithms developed to predict the effect of missense changes on protein structure and function are either unavailable or do not agree on the potential impact of this missense change (SIFT: "Deleterious"; PolyPhen-2: "Benign"; Align-GVGD: "Class C0"). In summary, the available evidence is currently insufficient to determine the role of this variant in disease. Therefore, it has been classified as a Variant of Uncertain Significance. This sequence change replaces arginine with serine at codon 18 of the NDUFS7 protein (p.Arg18Ser). The arginine residue is highly conserved and there is a moderate physicochemical difference between arginine and serine. This variant is not present in population databases (ExAC no frequency).